The following is an entry in ClinVar:

NM_000709.4(BCKDHA):c.712G>T (p.Glu238Ter)

Gene: BCKDHA (branched chain keto acid dehydrogenase E1 subunit alpha; plus strand). Cytogenetic location: 19q13.2.
Variant type: single nucleotide variant.
Coding change: c.712G>T on transcript NM_000709.4 (MANE Select); coding-DNA position 712, G replaced by T.
Protein change: p.Glu238Ter; replaces glutamic acid 238 with a stop codon.
Molecular consequence: nonsense.
Genome position (GRCh38, 1-based): chr19:41,422,229, G>T. VCF-style: chr19-41422229-G-T. GRCh37 (hg19) VCF-style: chr19-41928134-G-T.
Other names: c.712G>T, p.Glu238Ter (NM_001164783.2); short protein forms E238*.
Identifiers: ClinVar variation 983563 (VCV000983563.10), dbSNP rs1303770209, ClinGen allele CA406012789.

ClinVar aggregate classification (germline): Pathogenic/Likely pathogenic. Review status: criteria provided, multiple submitters, no conflicts (2 of 4 stars). 3 submissions from 3 submitters: Pathogenic (1); Likely pathogenic (2). Last evaluated 2024-03-04.

Conditions:
Maple syrup urine disease (MSUD). Identifiers: Orphanet 511, MedGen C0024776, MeSH D008375, MONDO:0009563. Disease mechanism: loss of function.
Maple syrup urine disease type 1A (MSUD1A). Also called: MSUD type 1A. Identifiers: MedGen C1855369, MONDO:0023691, OMIM 248600.

gnomAD v4.1: 2 of 1,614,164 alleles (0.00012%); highest among the groups gnomAD compares: Non-Finnish European, 0.00017%; no homozygotes.

Submissions (3):

Baylor Genetics
Classification: Likely pathogenic for Maple syrup urine disease type 1A. Last evaluated: 2024-03-04. Review status: criteria provided, single submitter. Criteria: ACMG Guidelines, 2015. Collection method: clinical testing. Allele origin: unknown.

Labcorp Genetics (formerly Invitae), Labcorp
Classification: Pathogenic for Maple syrup urine disease. Last evaluated: 2020-12-23. Review status: criteria provided, single submitter. Criteria: Invitae Variant Classification Sherloc (09022015). Collection method: clinical testing. Allele origin: germline.
Comment: For these reasons, this variant has been classified as Pathogenic. This variant has not been reported in the literature in individuals with BCKDHA-related conditions. ClinVar contains an entry for this variant (Variation ID: 983563). This variant is not present in population databases (ExAC no frequency). This sequence change creates a premature translational stop signal (p.Glu238*) in the BCKDHA gene. It is expected to result in an absent or disrupted protein product. Loss-of-function variants in BCKDHA are known to be pathogenic (PMID: 16786533, 22593002).

Myriad Genetics, Inc.
Classification: Likely pathogenic for Maple syrup urine disease type 1A. Last evaluated: 2019-12-04. Review status: criteria provided, single submitter. Criteria: Myriad Women's Health Autosomal Recessive and X-Linked Classification Criteria (2019). Collection method: clinical testing. Allele origin: unknown.
Comment: NM_000709.3(BCKDHA):c.712G>T(E238*) is expected to be pathogenic in the context of maple syrup urine disease type Ia. This variant is predicted to lead to an abnormal or absent protein product due to the creation of a premature termination codon in BCKDHA, a gene where loss-of-function variants are known to be pathogenic. Please note: this variant was assessed in the context of healthy population screening.

Literature cited by the submitters: PubMed 16786533 (cited by Labcorp Genetics (formerly Invitae), Labcorp); PubMed 22593002 (cited by Labcorp Genetics (formerly Invitae), Labcorp).